The following is an entry in ClinVar:

NM_001267550.2(TTN):c.35629+1G>T

Gene: TTN (titin; minus strand). Cytogenetic location: 2q31.2.
Variant type: single nucleotide variant.
Coding change: c.35629+1G>T on transcript NM_001267550.2 (MANE Select); the canonical splice donor site of the intron after coding-DNA position 35629, G replaced by T.
Molecular consequence: splice donor variant. On other transcripts: intron variant (5).
Genome position (GRCh38, 1-based): chr2:178,667,637, C>A on the plus strand (G>T on the coding strand, the complement: TTN is on the minus strand). VCF-style: chr2-178667637-C-A. GRCh37 (hg19) VCF-style: chr2-179532364-C-A.
Other names: c.13283-25320G>T (NM_003319.4); c.13859-25320G>T (NM_133437.4); c.13658-25320G>T (NM_133432.3); c.31483+2581G>T (NM_133378.4); c.34264+2581G>T (NM_001256850.1).
Identifiers: ClinVar variation 4788780 (VCV004788780.1).
Genomic context (GRCh38, chr2:178,667,637, plus strand): 5'-AGCTTTTTAAAAGGGGCCAAAAAATAATTTTTCTTCAGAGTGGATCATTGGTGTTATATA[C>A]CTTTTGCTAGTTTGGGTTTTGTCTTTTGAGGTTGAGTCACAAGTACTTTTTCTTCTAGGA-3'

ClinVar aggregate classification (germline): Likely pathogenic (1 of 4 stars; one submission).

Conditions:
Autosomal recessive limb-girdle muscular dystrophy type 2J (LGMDR10). Also called: Limb-girdle muscular dystrophy, type 2J; MUSCULAR DYSTROPHY, LIMB-GIRDLE, AUTOSOMAL RECESSIVE 10. Identifiers: Orphanet 140922, MedGen C1837342, MONDO:0012127, OMIM 608807.
Dilated cardiomyopathy 1G (CMD1G). Identifiers: Orphanet 154, MedGen C1858763, MONDO:0011400, OMIM 604145.

Submission:

Labcorp Genetics (formerly Invitae), Labcorp
Classification: Likely pathogenic for Dilated cardiomyopathy 1G; Autosomal recessive limb-girdle muscular dystrophy type 2J. Last evaluated: 2025-08-20. Review status: criteria provided, single submitter. Criteria: Invitae Variant Classification Sherloc (09022015). Collection method: clinical testing. Allele origin: germline.
Comment: This sequence change affects a donor splice site in intron 160 of the TTN gene. It is expected to disrupt RNA splicing and likely results in a truncated or disrupted TTN protein. This variant is not present in population databases (gnomAD no frequency). This variant has not been reported in the literature in individuals affected with TTN-related conditions. Algorithms developed to predict the effect of sequence changes on RNA splicing suggest that this variant may disrupt the consensus splice site. This variant is located in the I band of TTN (PMID: 25589632). Truncating variants in this region have been reported in individuals affected with autosomal recessive centronuclear myopathy (PMID: 23975875, internal data). Truncating variants in this region have also been identified in individuals affected with autosomal dominant dilated cardiomyopathy and/or cardio-related conditions (PMID: 27869827, 32964742, internal data). In summary, the currently available evidence indicates that the variant is pathogenic, but additional data are needed to prove that conclusively. Therefore, this variant has been classified as Likely Pathogenic.

Literature cited by the submitters: PubMed 25589632; PubMed 23975875; PubMed 27869827; PubMed 32964742.